The following is an entry in ClinVar:

NM_000202.8(IDS):c.377dup (p.Asn126fs)

Gene: IDS (iduronate 2-sulfatase; minus strand). Cytogenetic location: Xq28.
Variant type: Duplication.
Coding change: c.377dup on transcript NM_000202.8 (MANE Select); coding-DNA position 377, one base duplicated (A; older notation c.377dupA).
Protein change: p.Asn126fs; shifts the reading frame from asparagine 126.
Molecular consequence: frameshift variant. On other transcripts: non-coding transcript variant (1).
Genome position (GRCh38, 1-based): chrX:149,503,353, T duplicated on the plus strand (A on the coding strand, the reverse complement: IDS is on the minus strand); the first of 2 consecutive T bases (chrX:149,503,353-149,503,354); duplicating either gives the same sequence. VCF-style (leftmost placement, unchanged base first): chrX-149503352-A-AT. GRCh37 (hg19) VCF-style: chrX-148584882-A-AT.
Other names: c.107dup, p.Asn36fs (NM_001166550.4); c.377dup, p.Asn126fs (NM_006123.5); short protein forms N126fs, N36fs.
Identifiers: ClinVar variation 3255691 (VCV003255691.2).

ClinVar aggregate classification (germline): Pathogenic (1 of 4 stars; one submission).

Conditions:
Mucopolysaccharidosis, MPS-II (MPS2). Also called: Hunter Syndrome; IDURONATE 2-SULFATASE DEFICIENCY; Mucopolysaccharidosis Type II; Mucopolysaccharidosis type 2; Attenuated MPS (subtype; formerly known as mild MPS II); Severe MPS II. Identifiers: Orphanet 580, Orphanet 79388, MedGen C0026705, MONDO:0010674, OMIM 309900.

Submission:

Laboratory of Diagnosis and Therapy of Lysosomal Disorders, University of Padova
Classification: Pathogenic for Mucopolysaccharidosis, MPS-II. Last evaluated: 2024-06-07. Review status: criteria provided, single submitter. Criteria: ACMG Guidelines, 2015. Collection method: literature only. Allele origin: germline. Affected: yes. Observed: 1 variant allele.
Comment: Null variant (PVS1_VeryStrong), Absent from controls (or at low frequency) in gnomAD database (PM2_Moderate), Patient’s phenotype or family history highly specific for the disease (PP4_Strong)

Classification method: ACMG Guidelines [PMID:25741868] with modifications

Literature cited by the submitters: PubMed 10671065.